The following is an entry in ClinVar:

NM_001394372.1(BICRA):c.1276C>T (p.Gln426Ter)

Gene: BICRA (BRD4 interacting chromatin remodeling complex associated protein; plus strand). Cytogenetic location: 19q13.33.
Variant type: single nucleotide variant.
Coding change: c.1276C>T on transcript NM_001394372.1 (MANE Select); coding-DNA position 1276, C replaced by T.
Protein change: p.Gln426Ter; replaces glutamine 426 with a stop codon.
Molecular consequence: nonsense.
Genome position (GRCh38, 1-based): chr19:47,680,446, C>T. VCF-style: chr19-47680446-C-T. GRCh37 (hg19) VCF-style: chr19-48183703-C-T.
Other names: c.1276C>T, p.Gln426Ter (NM_015711.3); short protein forms Q426*.
Identifiers: ClinVar variation 4884202 (VCV004884202.2).

ClinVar aggregate classification (germline): Likely pathogenic (1 of 4 stars; one submission).

Conditions:
Coffin-Siris syndrome 12. Identifiers: MedGen C5444111, MONDO:0025699, OMIM 619325.

Submission:

Dasa
Classification: Likely pathogenic for Coffin-Siris syndrome 12. Last evaluated: 2025-08-28. Review status: criteria provided, single submitter. Criteria: DASA Assertion Criteria. Collection method: clinical testing. Allele origin: germline.
Comment: NM_001394372.1(BICRA):c.1276C>T (p.Gln426*) is a nonsense variant in BICRA predicted to introduce a premature termination codon and is predicted to result in an absent or altered protein product. Loss of function is an established disease mechanism for BICRA-associated disorders. Also, this variant is rare in population databases. Based on the currently available evidence, this variant is classified as likely pathogenic.